The following is an entry in ClinVar:

ClinVar aggregate classification (germline): Uncertain significance. Review status: criteria provided, multiple submitters, no conflicts (2 of 4 stars). 2 submissions from 2 submitters: Uncertain significance (2). Last evaluated 2022-12-12.

Conditions:
Familial cancer of breast. Also called: hereditary breast carcinoma; BREAST CANCER, FAMILIAL; Hereditary breast cancer. Identifiers: Orphanet 227535, MedGen C0346153, MONDO:0016419, OMIM 114480. Disease mechanism: loss of function.
Fanconi anemia complementation group J. Also called: BRIP1-Related Fanconi Anemia. Identifiers: Orphanet 84, MedGen C1836860, MONDO:0012187, OMIM 609054.

gnomAD v4.1: 1 of 1,614,000 alleles (0.000062%); highest among the groups gnomAD compares: Non-Finnish European, 0.000085%; no homozygotes.

Submissions (2):

Labcorp Genetics (formerly Invitae), Labcorp
Classification: Uncertain significance for Familial cancer of breast; Fanconi anemia complementation group J. Last evaluated: 2022-12-12. Review status: criteria provided, single submitter. Criteria: Invitae Variant Classification Sherloc (09022015). Collection method: clinical testing. Allele origin: germline.
Comment: This sequence change replaces arginine, which is basic and polar, with serine, which is neutral and polar, at codon 265 of the BRIP1 protein (p.Arg265Ser). In summary, the available evidence is currently insufficient to determine the role of this variant in disease. Therefore, it has been classified as a Variant of Uncertain Significance. Advanced modeling of protein sequence and biophysical properties (such as structural, functional, and spatial information, amino acid conservation, physicochemical variation, residue mobility, and thermodynamic stability) has been performed at Invitae for this missense variant, however the output from this modeling did not meet the statistical confidence thresholds required to predict the impact of this variant on BRIP1 protein function. ClinVar contains an entry for this variant (Variation ID: 652600). This variant has not been reported in the literature in individuals affected with BRIP1-related conditions. This variant is not present in population databases (gnomAD no frequency).

Women's Health and Genetics/Laboratory Corporation of America, LabCorp
Classification: Uncertain significance. Last evaluated: 2021-11-25. Review status: criteria provided, single submitter. Criteria: LabCorp Variant Classification Summary - May 2015. Collection method: clinical testing. Allele origin: germline.

NM_032043.3(BRIP1):c.795G>T (p.Arg265Ser)

Gene: BRIP1 (BRCA1 interacting DNA helicase 1; minus strand). Cytogenetic location: 17q23.2.
Variant type: single nucleotide variant.
Coding change: c.795G>T on transcript NM_032043.3 (MANE Select); coding-DNA position 795, G replaced by T.
Protein change: p.Arg265Ser; replaces arginine 265 with serine.
Molecular consequence: missense variant.
Genome position (GRCh38, 1-based): chr17:61,808,590, C>A on the plus strand (G>T on the coding strand, the complement: BRIP1 is on the minus strand). VCF-style: chr17-61808590-C-A. GRCh37 (hg19) VCF-style: chr17-59885951-C-A.
Other names: short protein forms R265S.
Identifiers: ClinVar variation 652600 (VCV000652600.10), dbSNP rs61754143, ClinGen allele CA400484896.